The following is an entry in ClinVar:

NM_017934.7(PHIP):c.5377G>A (p.Glu1793Lys)

Genes: IRAK1BP1 (interleukin 1 receptor associated kinase 1 binding protein 1; plus strand), PHIP (PHIP subunit of CUL4-Ring ligase complex; minus strand). Cytogenetic location: 6q14.1.
Variant type: single nucleotide variant.
Coding change: c.5377G>A on transcript NM_017934.7 (MANE Select); coding-DNA position 5377, G replaced by A.
Protein change: p.Glu1793Lys; replaces glutamic acid 1793 with lysine.
Molecular consequence: missense variant.
Genome position (GRCh38, 1-based): chr6:78,940,782, C>T on the plus strand (G>A on the coding strand, the complement: PHIP is on the minus strand). VCF-style: chr6-78940782-C-T. GRCh37 (hg19) VCF-style: chr6-79650499-C-T.
Other names: c.5377G>A (NM_017934.6); short protein forms E1793K.
Identifiers: ClinVar variation 2428317 (VCV002428317.7), dbSNP rs751648914, ClinGen allele CA3899273.

ClinVar aggregate classification (germline): Conflicting classifications of pathogenicity. Review status: criteria provided, conflicting classifications (1 of 4 stars). 2 submissions from 2 submitters: Uncertain significance (1); Likely benign (1). Last evaluated 2026-08-12.

Conditions:
PHIP-related disorder. Also called: PHIP-related condition; PHIP-related disorders.

Allele frequency attached by ClinVar (database versions not stated): gnomAD exomes 0.00001; ExAC 0.00002; TOPMed 0.00002.
gnomAD v4.1: 8 of 1,613,768 alleles (0.0005%); highest among the groups gnomAD compares: Admixed American, 0.0083%; no homozygotes.

Submissions (2):

PreventionGenetics, part of Exact Sciences
Classification: Uncertain significance for PHIP-related condition. Last evaluated: 2026-08-12. Review status: criteria provided, single submitter. Criteria: ACMG Guidelines, 2015. Collection method: clinical testing. Allele origin: germline.
Comment: The PHIP c.5377G>A variant is predicted to result in the amino acid substitution p.Glu1793Lys. To our knowledge, this variant has not been reported in the literature. This variant is reported in 0.012% of alleles in individuals of Latino descent in gnomAD. Although we suspect that this variant may be benign, at this time, the clinical significance of this variant is uncertain due to the absence of conclusive functional and genetic evidence.

Labcorp Genetics (formerly Invitae), Labcorp
Classification: Likely benign. Last evaluated: 2025-12-12. Review status: criteria provided, single submitter. Criteria: Invitae Variant Classification Sherloc (09022015). Collection method: clinical testing. Allele origin: germline.